The following is an entry in ClinVar:

NM_000377.3(WAS):c.1190C>T (p.Pro397Leu)

Gene: WAS (WASP actin nucleation promoting factor; plus strand). Cytogenetic location: Xp11.23.
Variant type: single nucleotide variant.
Coding change: c.1190C>T on transcript NM_000377.3 (MANE Select); coding-DNA position 1190, C replaced by T.
Protein change: p.Pro397Leu; replaces proline 397 with leucine.
Molecular consequence: missense variant.
Genome position (GRCh38, 1-based): chrX:48,688,918, C>T. VCF-style: chrX-48688918-C-T. GRCh37 (hg19) VCF-style: chrX-48547307-C-T.
Other names: short protein forms P397L.
Identifiers: ClinVar variation 3758459 (VCV003758459.3).

ClinVar aggregate classification (germline): Uncertain significance. Review status: criteria provided, multiple submitters, no conflicts (2 of 4 stars). 2 submissions from 2 submitters: Uncertain significance (2). Last evaluated 2026-05-11.

Conditions:
Thrombocytopenia 1. Also called: X-Linked Thrombocytopenia (XLT); X-linked thrombocytopenia with normal platelets; THROMBOCYTOPENIA, X-LINKED, 1. Identifiers: Orphanet 268322, Orphanet 852, MedGen C1839163, MONDO:0010743, OMIM 313900.
Wiskott-Aldrich syndrome (WAS). Also called: Wiskott-aldrich syndrome, somatic; ALDRICH SYNDROME; IMMUNODEFICIENCY 2; WISKOTT-ALDRICH SYNDROME 1. Identifiers: Orphanet 906, MedGen C0043194, MONDO:0010518, OMIM 301000.
X-linked severe congenital neutropenia (SCNX). Identifiers: Orphanet 86788, MedGen C1845987, MONDO:0010294, OMIM 300299.
Inborn genetic diseases. Identifiers: MedGen C0950123, MeSH D030342.

Submissions (2):

Ambry Genetics
Classification: Uncertain significance for Inborn genetic diseases. Last evaluated: 2026-05-11. Review status: criteria provided, single submitter. Criteria: Ambry Variant Classification Scheme 2023. Collection method: clinical testing. Allele origin: germline.

Labcorp Genetics (formerly Invitae), Labcorp
Classification: Uncertain significance for Wiskott-Aldrich syndrome; X-linked severe congenital neutropenia; Thrombocytopenia 1. Last evaluated: 2024-12-03. Review status: criteria provided, single submitter. Criteria: Invitae Variant Classification Sherloc (09022015). Collection method: clinical testing. Allele origin: germline.
Comment: This sequence change replaces proline, which is neutral and non-polar, with leucine, which is neutral and non-polar, at codon 397 of the WAS protein (p.Pro397Leu). This variant is not present in population databases (gnomAD no frequency). This variant has not been reported in the literature in individuals affected with WAS-related conditions. Invitae Evidence Modeling of protein sequence and biophysical properties (such as structural, functional, and spatial information, amino acid conservation, physicochemical variation, residue mobility, and thermodynamic stability) indicates that this missense variant is not expected to disrupt WAS protein function with a negative predictive value of 80%. In summary, the available evidence is currently insufficient to determine the role of this variant in disease. Therefore, it has been classified as a Variant of Uncertain Significance.